The following is an entry in ClinVar:

ClinVar aggregate classification (germline): Conflicting classifications of pathogenicity. Review status: criteria provided, conflicting classifications (1 of 4 stars). 2 submissions from 2 submitters: Likely pathogenic (1); Uncertain significance (1). Last evaluated 2026-08-10.

Conditions:
Glutaric aciduria, type 1. Also called: Glutaric Acidemia Type 1; Glutaryl-CoA dehydrogenase deficiency; GA I; Glutaricaciduria, type I; Glutaric acidemia type I; Glutaricacidemia Type 1. Identifiers: Orphanet 25, MedGen C0268595, MONDO:0009281, OMIM 231670.

Allele frequency attached by ClinVar (database versions not stated): gnomAD exomes below 0.00001; TOPMed below 0.00001; gnomAD 0.00001.
gnomAD v4.1: 5 of 1,614,122 alleles (0.00031%); highest among the groups gnomAD compares: Non-Finnish European, 0.00042%; no homozygotes.

Submissions (2):

Myriad Genetics, Inc.
Classification: Uncertain significance for Glutaric aciduria, type 1. Last evaluated: 2026-08-10. Review status: criteria provided, single submitter. Criteria: Myriad Autosomal Dominant, Autosomal Recessive and X-Linked Classification Criteria (2023). Collection method: clinical testing. Allele origin: unknown.
Comment: NM_000159.2(GCDH):c.244C>T(R82C) is a missense variant classified as a variant of uncertain significance in the context of glutaric acidemia, GCDH-related. R82C has not been observed in cases with relevant disease. Relevant functional assessments of this variant are not available in the literature. R82C has not been observed in referenced population frequency databases. In summary, there is insufficient evidence to classify NM_000159.2(GCDH):c.244C>T(R82C) as pathogenic or benign. Please note: this variant was assessed in the context of healthy population screening.

Labcorp Genetics (formerly Invitae), Labcorp
Classification: Likely pathogenic for Glutaric aciduria, type 1. Last evaluated: 2024-10-17. Review status: criteria provided, single submitter. Criteria: Invitae Variant Classification Sherloc (09022015). Collection method: clinical testing. Allele origin: germline.
Comment: This sequence change replaces arginine, which is basic and polar, with cysteine, which is neutral and slightly polar, at codon 82 of the GCDH protein (p.Arg82Cys). This variant is not present in population databases (gnomAD no frequency). This variant has not been reported in the literature in individuals affected with GCDH-related conditions. ClinVar contains an entry for this variant (Variation ID: 1974058). Invitae Evidence Modeling of protein sequence and biophysical properties (such as structural, functional, and spatial information, amino acid conservation, physicochemical variation, residue mobility, and thermodynamic stability) indicates that this missense variant is expected to disrupt GCDH protein function with a positive predictive value of 80%. This variant disrupts the p.Arg82 amino acid residue in GCDH. Other variant(s) that disrupt this residue have been determined to be pathogenic (PMID: 25863083). This suggests that this residue is clinically significant, and that variants that disrupt this residue are likely to be disease-causing. In summary, the currently available evidence indicates that the variant is pathogenic, but additional data are needed to prove that conclusively. Therefore, this variant has been classified as Likely Pathogenic.

Literature cited by the submitters: PubMed 25863083 (cited by Labcorp Genetics (formerly Invitae), Labcorp).

NM_000159.4(GCDH):c.244C>T (p.Arg82Cys)

Gene: GCDH (glutaryl-CoA dehydrogenase; plus strand). Cytogenetic location: 19p13.13.
Variant type: single nucleotide variant.
Coding change: c.244C>T on transcript NM_000159.4 (MANE Select); coding-DNA position 244, C replaced by T.
Protein change: p.Arg82Cys; replaces arginine 82 with cysteine.
Molecular consequence: missense variant. On other transcripts: non-coding transcript variant (2).
Genome position (GRCh38, 1-based): chr19:12,891,947, C>T. VCF-style: chr19-12891947-C-T. GRCh37 (hg19) VCF-style: chr19-13002761-C-T.
Other names: c.244C>T, p.Arg82Cys (NM_013976.5); short protein forms R82C.
Identifiers: ClinVar variation 1974058 (VCV001974058.6), dbSNP rs1333480915, ClinGen allele CA404315421.